The following is an entry in ClinVar:

NM_001267550.2(TTN):c.85443A>G (p.Ala28481=)

Genes: TTN-AS1 (TTN antisense RNA 1; plus strand), TTN (titin; minus strand). Cytogenetic location: 2q31.2.
Variant type: single nucleotide variant.
Coding change: c.85443A>G on transcript NM_001267550.2 (MANE Select); coding-DNA position 85443, A replaced by G.
Protein change: p.Ala28481=; no amino-acid change (alanine 28481 retained).
Molecular consequence: synonymous variant.
Genome position (GRCh38, 1-based): chr2:178,560,689, T>C on the plus strand (A>G on the coding strand, the complement: TTN is on the minus strand). VCF-style: chr2-178560689-T-C. GRCh37 (hg19) VCF-style: chr2-179425416-T-C.
Other names: c.80520A>G, p.Ala26840= (NM_001256850.1); c.58248A>G, p.Ala19416= (NM_003319.4); c.77739A>G, p.Ala25913= (NM_133378.4); c.58623A>G, p.Ala19541= (NM_133432.3); c.58824A>G, p.Ala19608= (NM_133437.4).
Identifiers: ClinVar variation 598228 (VCV000598228.24), dbSNP rs373326137, ClinGen allele CA1988644.

ClinVar aggregate classification (germline): Conflicting classifications of pathogenicity. Review status: criteria provided, conflicting classifications (1 of 4 stars). 8 submissions from 8 submitters: Uncertain significance (1); Likely benign (5). 2 of the submissions do not count toward it. Last evaluated 2026-01-11.

Conditions:
Dilated cardiomyopathy 1G (CMD1G). Identifiers: Orphanet 154, MedGen C1858763, MONDO:0011400, OMIM 604145.
Autosomal recessive limb-girdle muscular dystrophy type 2J (LGMDR10). Also called: MUSCULAR DYSTROPHY, LIMB-GIRDLE, AUTOSOMAL RECESSIVE 10; Limb-girdle muscular dystrophy, type 2J. Identifiers: Orphanet 140922, MedGen C1837342, MONDO:0012127, OMIM 608807.
Cardiovascular phenotype. Identifiers: MedGen CN230736.
TTN-related disorder. Also called: TTN-related condition; TTN-related disease; TTN-related disorders.

Allele frequency attached by ClinVar (database versions not stated): gnomAD exomes 0.00001 and 0.00005; ExAC 0.00007; gnomAD 0.00013 and 0.00016; ESP Exome Variant Server 0.00025; TOPMed 0.00031.
gnomAD v4.1: 44 of 1,613,706 alleles (0.0027%); highest among the groups gnomAD compares: African/African-American, 0.048%; no homozygotes.

Submissions (9):

Labcorp Genetics (formerly Invitae), Labcorp
Classification: Likely benign for Dilated cardiomyopathy 1G; Autosomal recessive limb-girdle muscular dystrophy type 2J. Last evaluated: 2026-01-11. Review status: criteria provided, single submitter. Criteria: Invitae Variant Classification Sherloc (09022015). Collection method: clinical testing. Allele origin: germline.

PreventionGenetics, part of Exact Sciences
Classification: Likely benign for TTN-related condition. Last evaluated: 2025-03-26. Review status: criteria provided, single submitter. Criteria: ACMG Guidelines, 2015. Collection method: clinical testing. Allele origin: germline.
Comment: This variant is classified as likely benign based on ACMG/AMP sequence variant interpretation guidelines (Richards et al. 2015 PMID: 25741868, with internal and published modifications).

GeneDx
Classification: Likely benign. Last evaluated: 2021-02-25. Review status: criteria provided, single submitter. Criteria: GeneDx Variant Classification Process June 2021. Collection method: clinical testing. Allele origin: germline. Affected: yes.

Blueprint Genetics
Classification: Likely benign. Last evaluated: 2020-08-24. Review status: criteria provided, single submitter. Criteria: ACMG Guidelines, 2015. Collection method: clinical testing. Allele origin: germline.

Ambry Genetics
Classification: Likely benign for Cardiovascular phenotype. Last evaluated: 2020-01-24. Review status: criteria provided, single submitter. Criteria: Ambry Variant Classification Scheme 2023. Collection method: clinical testing. Allele origin: germline.

Eurofins Ntd Llc (ga)
Classification: Uncertain significance. Last evaluated: 2018-08-02. Review status: criteria provided, single submitter. Criteria: EGL ClinVar v180209 classification definitions. Collection method: clinical testing. Allele origin: germline. Observed: 1 variant allele, 1 heterozygote.

Clinical Genetics, Academic Medical Center
Classification: Benign. Review status: no assertion criteria provided. Collection method: clinical testing. Allele origin: germline. Affected: yes. Study: VKGL Data-share Consensus. Not counted in ClinVar's aggregate classification.

Dr. Peter K. Rogan Lab, Western University
No classification provided (evidence only). Condition: Thyroid cancer, nonmedullary, 1. Review status: no classification provided. Collection method: in vitro. Allele origin: not applicable. Functional consequence: retained intron. Not counted in ClinVar's aggregate classification.

Genome Diagnostics Laboratory, University Medical Center Utrecht
Classification: Likely benign. Review status: no assertion criteria provided. Collection method: clinical testing. Allele origin: germline. Affected: yes. Study: VKGL Data-share Consensus. Not counted in ClinVar's aggregate classification.